The following is an entry in ClinVar:

NM_000719.7(CACNA1C):c.4022G>T (p.Ser1341Ile)

Gene: CACNA1C (calcium voltage-gated channel subunit alpha1 C; plus strand). Cytogenetic location: 12p13.33.
Variant type: single nucleotide variant.
Coding change: c.4022G>T on transcript NM_000719.7 (MANE Select); coding-DNA position 4022, G replaced by T.
Protein change: p.Ser1341Ile; replaces serine 1341 with isoleucine.
Molecular consequence: missense variant.
Genome position (GRCh38, 1-based): chr12:2,651,716, G>T. VCF-style: chr12-2651716-G-T. GRCh37 (hg19) VCF-style: chr12-2760882-G-T.
Other names: c.4166G>T, p.Ser1389Ile (NM_001129827.2, NM_199460.4); c.4088G>T, p.Ser1363Ile (NM_001129829.2); c.4022G>T, p.Ser1341Ile (NM_001129830.3, NM_001129833.2, NM_001129834.2 and 7 more transcripts); c.4106G>T, p.Ser1369Ile (NM_001129831.2); c.4082G>T, p.Ser1361Ile (NM_001129832.2); c.4073G>T, p.Ser1358Ile (NM_001129836.2); c.3989G>T, p.Ser1330Ile (NM_001129837.2, NM_001129838.2, NM_001129846.2 and 1 more transcripts); c.3983G>T, p.Ser1328Ile (NM_001129839.2); and 1 more; short protein forms S1328I, S1330I, S1338I, S1341I, S1358I, S1361I, S1363I, S1369I.
Identifiers: ClinVar variation 1707224 (VCV001707224.2), dbSNP rs2527685655, ClinGen allele CA383373672.

ClinVar aggregate classification (germline): Uncertain significance (1 of 4 stars; one submission).

Submission:

GeneDx
Classification: Uncertain significance. Last evaluated: 2022-12-16. Review status: criteria provided, single submitter. Criteria: GeneDx Variant Classification Process June 2021. Collection method: clinical testing. Allele origin: germline. Affected: yes.
Comment: Not observed at significant frequency in large population cohorts (gnomAD); In silico analysis supports that this missense variant has a deleterious effect on protein structure/function; Has not been previously published as pathogenic or benign to our knowledge